The following is an entry in ClinVar:

ClinVar aggregate classification (germline): Pathogenic. Review status: criteria provided, multiple submitters, no conflicts (2 of 4 stars). 2 submissions from 2 submitters: Pathogenic (2). Last evaluated 2024-06-19.

Conditions:
X-linked severe congenital neutropenia (SCNX). Identifiers: Orphanet 86788, MedGen C1845987, MONDO:0010294, OMIM 300299.
Thrombocytopenia 1. Also called: X-Linked Thrombocytopenia (XLT); THROMBOCYTOPENIA, X-LINKED, 1; X-linked thrombocytopenia with normal platelets. Identifiers: Orphanet 268322, Orphanet 852, MedGen C1839163, MONDO:0010743, OMIM 313900.
Wiskott-Aldrich syndrome (WAS). Also called: WISKOTT-ALDRICH SYNDROME 1; Wiskott-aldrich syndrome, somatic; ALDRICH SYNDROME; IMMUNODEFICIENCY 2. Identifiers: Orphanet 906, MedGen C0043194, MONDO:0010518, OMIM 301000.

Submissions (2):

Fulgent Genetics
Classification: Pathogenic for X-linked severe congenital neutropenia; Wiskott-Aldrich syndrome; Thrombocytopenia 1. Last evaluated: 2024-06-19. Review status: criteria provided, single submitter. Criteria: ACMG Guidelines, 2015. Collection method: clinical testing. Allele origin: germline.

Labcorp Genetics (formerly Invitae), Labcorp
Classification: Pathogenic for Wiskott-Aldrich syndrome; X-linked severe congenital neutropenia; Thrombocytopenia 1. Last evaluated: 2021-06-13. Review status: criteria provided, single submitter. Criteria: Invitae Variant Classification Sherloc (09022015). Collection method: clinical testing. Allele origin: germline.
Comment: This sequence change creates a premature translational stop signal (p.Gln80*) in the WAS gene. It is expected to result in an absent or disrupted protein product. This variant is not present in population databases (ExAC no frequency). This variant has been observed in individual(s) with clinical features of Wiskott-Aldrich Syndrome (PMID: 8528198, 31354712). ClinVar contains an entry for this variant (Variation ID: 853840). Loss-of-function variants in WAS are known to be pathogenic (PMID: 15284122). For these reasons, this variant has been classified as Pathogenic.

Literature cited by the submitters: PubMed 8528198 (cited by Labcorp Genetics (formerly Invitae), Labcorp); PubMed 31354712 (cited by Labcorp Genetics (formerly Invitae), Labcorp); PubMed 15284122 (cited by Labcorp Genetics (formerly Invitae), Labcorp).

NM_000377.3(WAS):c.238C>T (p.Gln80Ter)

Gene: WAS (WASP actin nucleation promoting factor; plus strand). Cytogenetic location: Xp11.23.
Variant type: single nucleotide variant.
Coding change: c.238C>T on transcript NM_000377.3 (MANE Select); coding-DNA position 238, C replaced by T.
Protein change: p.Gln80Ter; replaces glutamine 80 with a stop codon.
Molecular consequence: nonsense.
Genome position (GRCh38, 1-based): chrX:48,684,388, C>T. VCF-style: chrX-48684388-C-T. GRCh37 (hg19) VCF-style: chrX-48542777-C-T.
Other names: short protein forms Q80*.
Identifiers: ClinVar variation 853840 (VCV000853840.10), dbSNP rs2062412730, ClinGen allele CA412866578.
Genomic context (GRCh38, chrX:48,684,388, plus strand): 5'-GGAGCTGAGCACTGGACCAAGGAGCATTGTGGGGCTGTGTGCTTCGTGAAGGATAACCCC[C>T]AGAAGTCCTACTTCATCCGCCTTTACGGCCTTCAGGTGACCCCCCCACCCCCGACTGGAC-3'